The following is an entry in ClinVar:

ClinVar aggregate classification (germline): Conflicting classifications of pathogenicity. Review status: criteria provided, conflicting classifications (1 of 4 stars). 4 submissions from 4 submitters: Uncertain significance (3); Likely benign (1). Last evaluated 2025-12-23.

Conditions:
Hereditary cancer-predisposing syndrome. Also called: Neoplastic Syndromes, Hereditary; Hereditary Cancer Syndrome; Hereditary neoplastic syndrome; Tumor predisposition. Identifiers: Orphanet 140162, MedGen C0027672, MeSH D009386, MONDO:0015356.
Gastrointestinal stromal tumor. Also called: Gastrointestinal stromal tumor, somatic; Gastrointestinal stroma tumor. Identifiers: Orphanet 44890, MedGen C0238198, MeSH D046152, MONDO:0011719, OMIM 606764, HP:0100723.

Allele frequency attached by ClinVar (database versions not stated): gnomAD exomes below 0.00001; gnomAD 0.00001; TOPMed 0.00001.
gnomAD v4.1: 9 of 1,614,026 alleles (0.00056%); highest among the groups gnomAD compares: East Asian, 0.0067%; no homozygotes.

Submissions (4):

Labcorp Genetics (formerly Invitae), Labcorp
Classification: Uncertain significance for Gastrointestinal stromal tumor. Last evaluated: 2025-12-23. Review status: criteria provided, single submitter. Criteria: Invitae Variant Classification Sherloc (09022015). Collection method: clinical testing. Allele origin: germline.
Comment: This sequence change replaces isoleucine, which is neutral and non-polar, with valine, which is neutral and non-polar, at codon 478 of the KIT protein (p.Ile478Val). This variant is not present in population databases (gnomAD no frequency). This variant has not been reported in the literature in individuals affected with KIT-related conditions. ClinVar contains an entry for this variant (Variation ID: 458871). An algorithm developed to predict the effect of missense changes on protein structure and function outputs the following: PolyPhen-2: "Benign". The valine amino acid residue is found in multiple mammalian species, which suggests that this missense change does not adversely affect protein function. In summary, the available evidence is currently insufficient to determine the role of this variant in disease. Therefore, it has been classified as a Variant of Uncertain Significance.

Ambry Genetics
Classification: Uncertain significance for Hereditary cancer-predisposing syndrome. Last evaluated: 2025-10-07. Review status: criteria provided, single submitter. Criteria: Ambry Variant Classification Scheme 2023. Collection method: clinical testing. Allele origin: germline.

GeneDx
Classification: Uncertain significance. Last evaluated: 2023-12-10. Review status: criteria provided, single submitter. Criteria: GeneDx Variant Classification Process June 2021. Collection method: clinical testing. Allele origin: germline. Affected: yes.
Comment: Not observed at significant frequency in large population cohorts (gnomAD); In silico analysis supports that this missense variant does not alter protein structure/function; Has not been previously published as pathogenic or benign to our knowledge

Blueprint Genetics
Classification: Likely benign. Last evaluated: 2023-06-16. Review status: criteria provided, single submitter. Criteria: ACMG Guidelines, 2015. Collection method: clinical testing. Allele origin: germline.

NM_000222.3(KIT):c.1432A>G (p.Ile478Val)

Gene: KIT (KIT proto-oncogene, receptor tyrosine kinase; plus strand). Cytogenetic location: 4q12.
Variant type: single nucleotide variant.
Coding change: c.1432A>G on transcript NM_000222.3 (MANE Select); coding-DNA position 1432, A replaced by G.
Protein change: p.Ile478Val; replaces isoleucine 478 with valine.
Molecular consequence: missense variant.
Genome position (GRCh38, 1-based): chr4:54,725,942, A>G. VCF-style: chr4-54725942-A-G. GRCh37 (hg19) VCF-style: chr4-55592108-A-G.
Other names: c.1432A>G, p.Ile478Val (NM_001093772.2, NM_001385285.1, NM_001385286.1); c.1435A>G, p.Ile479Val (NM_001385284.1, NM_001385288.1, NM_001385290.1 and 1 more transcripts); short protein forms I478V, I479V.
Identifiers: ClinVar variation 458871 (VCV000458871.13), dbSNP rs1185109256, ClinGen allele CA356906381.